The following is an entry in ClinVar:

NM_007294.4(BRCA1):c.3063T>C (p.Ser1021=)

Gene: BRCA1 (BRCA1 DNA repair associated; minus strand). Cytogenetic location: 17q21.31.
Variant type: single nucleotide variant.
Coding change: c.3063T>C on transcript NM_007294.4 (MANE Select); coding-DNA position 3063, T replaced by C.
Protein change: p.Ser1021=; no amino-acid change (serine 1021 retained).
Molecular consequence: synonymous variant. On other transcripts: intron variant (137).
Genome position (GRCh38, 1-based): chr17:43,092,468, A>G on the plus strand (T>C on the coding strand, the complement: BRCA1 is on the minus strand). VCF-style: chr17-43092468-A-G. GRCh37 (hg19) VCF-style: chr17-41244485-A-G.
Other names: c.2850T>C, p.Ser950= (NM_001407571.1, NM_001407853.1, NM_001407894.1 and 9 more transcripts); c.3063T>C, p.Ser1021= (NM_001407581.1, NM_001407582.1, NM_001407583.1 and 30 more transcripts); c.3060T>C, p.Ser1020= (NM_001407587.1, NM_001407590.1, NM_001407591.1 and 22 more transcripts); c.3054T>C, p.Ser1018= (NM_001407646.1, NM_001407647.1); c.2940T>C, p.Ser980= (NM_001407648.1, NM_001407664.1, NM_001407665.1 and 19 more transcripts); c.2937T>C, p.Ser979= (NM_001407649.1, NM_001407670.1, NM_001407671.1 and 11 more transcripts); c.2985T>C, p.Ser995= (NM_001407653.1, NM_001407654.1, NM_001407655.1 and 4 more transcripts); c.2982T>C, p.Ser994= (NM_001407659.1, NM_001407660.1, NM_001407661.1 and 1 more transcripts); and 41 more.
Identifiers: ClinVar variation 560730 (VCV000560730.19), dbSNP rs1364539273, ClinGen allele CA500232317.

ClinVar aggregate classification (germline): Likely benign. Review status: criteria provided, multiple submitters, no conflicts (2 of 4 stars). 6 submissions from 6 submitters: Likely benign (4). 2 of the submissions do not count toward it. Last evaluated 2024-03-16.

Conditions:
Breast-ovarian cancer, familial, susceptibility to, 1 (BROVCA1). Also called: BRCA1 Hereditary Breast and Ovarian Cancer; OVARIAN CANCER, SUSCEPTIBILITY TO. Identifiers: Orphanet 145, MedGen C2676676, MONDO:0011450, OMIM 604370. Disease mechanism: loss of function.
Hereditary breast ovarian cancer syndrome. Also called: Hereditary breast and ovarian cancer; Hereditary breast and ovarian cancer syndrome; Hereditary breast and ovarian cancer syndrome (HBOC); Breast and ovarian cancer; BRCA1- and BRCA2-Associated Hereditary Breast and Ovarian Cancer; Hereditary breast and/or ovarian cancer syndrome. Identifiers: Orphanet 145, MedGen C0677776, MeSH D061325, MONDO:0003582. Disease mechanism: loss of function.
Hereditary cancer-predisposing syndrome. Also called: Tumor predisposition; Neoplastic Syndromes, Hereditary; Hereditary Cancer Syndrome; Hereditary neoplastic syndrome. Identifiers: Orphanet 140162, MedGen C0027672, MeSH D009386, MONDO:0015356.
Malignant tumor of breast. Also called: Malignant breast neoplasm; Cancer breast. Identifiers: MedGen C0006142, MONDO:0007254. Disease mechanism: loss of function.

Allele frequency attached by ClinVar (database versions not stated): gnomAD exomes 0.00001; gnomAD 0.00003.
gnomAD v4.1: 6 of 1,614,034 alleles (0.00037%); highest among the groups gnomAD compares: Non-Finnish European, 0.00051%; no homozygotes.

Submissions (6):

Labcorp Genetics (formerly Invitae), Labcorp
Classification: Likely benign for Hereditary breast ovarian cancer syndrome. Last evaluated: 2024-03-16. Review status: criteria provided, single submitter. Criteria: Invitae Variant Classification Sherloc (09022015). Collection method: clinical testing. Allele origin: germline.

All of Us Research Program, National Institutes of Health
Classification: Likely benign for Breast-ovarian cancer, familial, susceptibility to, 1. Last evaluated: 2023-08-15. Review status: criteria provided, single submitter. Criteria: ACMG Guidelines, 2015. Collection method: clinical testing. Allele origin: germline. Inheritance: Autosomal dominant inheritance. Observed: 1 variant allele, 1 heterozygote.
Comment: This study involves interpretation of variants in research participants for the purpose of population health screening. Participant phenotype was not available at the time of variant classification. Additional details can be found in publication PMID: 35346344, PMCID: PMC8962531

Ambry Genetics
Classification: Likely benign for Hereditary cancer-predisposing syndrome. Last evaluated: 2020-02-03. Review status: criteria provided, single submitter. Criteria: Ambry Variant Classification Scheme 2023. Collection method: clinical testing. Allele origin: germline.

Women's Health and Genetics/Laboratory Corporation of America, LabCorp
Classification: Likely benign. Last evaluated: 2019-08-21. Review status: criteria provided, single submitter. Criteria: LabCorp Variant Classification Summary - May 2015. Collection method: clinical testing. Allele origin: germline.

True Health Diagnostics
Classification: Likely benign for Hereditary cancer-predisposing syndrome. Last evaluated: 2018-04-09. Review status: no assertion criteria provided. Collection method: clinical testing. Allele origin: germline. Not counted in ClinVar's aggregate classification.

Department of Pathology and Laboratory Medicine, Sinai Health System
Classification: Likely benign for Malignant tumor of breast. Review status: no assertion criteria provided. Collection method: clinical testing. Allele origin: unknown. Affected: yes. Study: The Canadian Open Genetics Repository (COGR). Not counted in ClinVar's aggregate classification.
Comment: The BRCA1 p.Ser1021= variant was not identified in the literature nor was it identified in the dbSNP , LOVD 3.0, or UMD-LSDB databases. The variant was identified in ClinVar (classified as likely benign by True Health Diagnostics). The variant was identified in control databases in 1 of 30974 chromosomes at a frequency of 0.00003 (Genome Aggregation Database Feb 27, 2017). The variant was observed in the European population in 1 of 15008 chromosomes (freq: 0.00007), while the variant was not observed in the South Asian, African, Other, Latino, Ashkenazi Jewish, East Asian, or Finnish populations. The p.Ser1021= variant is not expected to have clinical significance because it does not result in a change of amino acid and is not located in a known consensus splice site. In addition, in silico or computational prediction software programs (SpliceSiteFinder, MaxEntScan, NNSPLICE, GeneSplicer) do not predict a difference in splicing. In summary, based on the above information the clinical significance of this variant cannot be determined with certainty at this time although we would lean towards a more benign role for this variant. This variant is classified as likely benign.